The following is an entry in ClinVar:

ClinVar aggregate classification (germline): Uncertain significance (1 of 4 stars; one submission).

Submission:

CeGaT Center for Human Genetics Tuebingen
Classification: Uncertain significance. Last evaluated: 2025-12-01. Review status: criteria provided, single submitter. Criteria: CeGaT Center For Human Genetics Tuebingen Variant Classification Criteria Version 2. Collection method: clinical testing. Allele origin: germline. Affected: yes. Observed: 1 variant allele.
Comment: TTN: PM2

NM_001267550.2(TTN):c.57099A>C (p.Glu19033Asp)

Genes: TTN (titin; minus strand), TTN-AS1 (TTN antisense RNA 1; plus strand). Cytogenetic location: 2q31.2.
Variant type: single nucleotide variant.
Coding change: c.57099A>C on transcript NM_001267550.2 (MANE Select); coding-DNA position 57099, A replaced by C.
Protein change: p.Glu19033Asp; replaces glutamic acid 19033 with aspartic acid.
Molecular consequence: missense variant.
Genome position (GRCh38, 1-based): chr2:178,598,518, T>G on the plus strand (A>C on the coding strand, the complement: TTN is on the minus strand). VCF-style: chr2-178598518-T-G. GRCh37 (hg19) VCF-style: chr2-179463245-T-G.
Other names: c.52176A>C, p.Glu17392Asp (NM_001256850.1); c.29904A>C, p.Glu9968Asp (NM_003319.4); c.49395A>C, p.Glu16465Asp (NM_133378.4); c.30279A>C, p.Glu10093Asp (NM_133432.3); c.30480A>C, p.Glu10160Asp (NM_133437.4); short protein forms E10093D, E10160D, E16465D, E17392D, E19033D, E9968D.
Identifiers: ClinVar variation 4681591 (VCV004681591.5).